The following is an entry in ClinVar:

Conditions:
Breast-ovarian cancer, familial, susceptibility to, 1 (BROVCA1). Also called: BRCA1 Hereditary Breast and Ovarian Cancer; OVARIAN CANCER, SUSCEPTIBILITY TO. Identifiers: Orphanet 145, MedGen C2676676, MONDO:0011450, OMIM 604370. Disease mechanism: loss of function.

Submission:

Brotman Baty Institute, University of Washington
No classification provided (evidence only). Condition: Breast-ovarian cancer, familial 1. Review status: no classification provided. Collection method: in vitro. Allele origin: not applicable. Functional consequence: functionally_normal.
ClinVar note: "not provided" was previously submitted as the classification for the variant. However, the classification appeared to be based only on an observation of functional data so it was converted to no classification on 2025-07-30.

NM_007294.4(BRCA1):c.5295A>T (p.Glu1765Asp)

Gene: BRCA1 (BRCA1 DNA repair associated; minus strand). Cytogenetic location: 17q21.31.
Variant type: single nucleotide variant.
Coding change: c.5295A>T on transcript NM_007294.4 (MANE Select); coding-DNA position 5295, A replaced by T.
Protein change: p.Glu1765Asp; replaces glutamic acid 1765 with aspartic acid.
Molecular consequence: missense variant. On other transcripts: non-coding transcript variant (1).
Genome position (GRCh38, 1-based): chr17:43,051,100, T>A on the plus strand (A>T on the coding strand, the complement: BRCA1 is on the minus strand). VCF-style: chr17-43051100-T-A. GRCh37 (hg19) VCF-style: chr17-41203117-T-A.
Other names: c.5211A>T, p.Glu1737Asp (NM_001407659.1, NM_001407660.1, NM_001407661.1 and 2 more transcripts); c.5172A>T, p.Glu1724Asp (NM_001407664.1, NM_001407665.1, NM_001407666.1 and 5 more transcripts); c.5082A>T, p.Glu1694Asp (NM_001407571.1, NM_001407900.1, NM_001407902.1 and 12 more transcripts); c.5361A>T, p.Glu1787Asp (NM_001407581.1, NM_001407582.1); c.5358A>T, p.Glu1786Asp (NM_001407583.1, NM_001407585.1, NM_001407587.1 and 1 more transcripts); c.5355A>T, p.Glu1785Asp (NM_001407590.1, NM_001407591.1); c.5295A>T, p.Glu1765Asp (NM_001407593.1, NM_001407594.1, NM_001407596.1 and 6 more transcripts); c.5292A>T, p.Glu1764Asp (NM_001407610.1, NM_001407611.1, NM_001407612.1 and 17 more transcripts); and 72 more; short protein forms E661D, E1765D, E1718D, E1786D, E1469D, E1636D, E1675D, E1676D.
Identifiers: ClinVar variation 865569 (VCV000865569.3), dbSNP rs2051208709, ClinGen allele CA10590958.